The following is an entry in ClinVar:

ClinVar aggregate classification (germline): Uncertain significance. Review status: criteria provided, single submitter (1 of 4 stars). 2 submissions from 2 submitters: Uncertain significance (1). 1 of the submissions does not count toward it. Last evaluated 2022-11-04.

Conditions:
Exudative vitreoretinopathy 1 (EVR1). Also called: CRISWICK-SCHEPENS SYNDROME; FEVR, AUTOSOMAL DOMINANT; Familial exudative vitreoretinopathy, autosomal dominant. Identifiers: Orphanet 891, Orphanet 90050, MedGen C1851402, MONDO:0007589, OMIM 133780.

Allele frequency attached by ClinVar (database versions not stated): gnomAD exomes below 0.00001 and 0.00004; TOPMed below 0.00001; gnomAD 0.00001; 1000 Genomes Project 30x 0.00016; 1000 Genomes Project 0.00020.
gnomAD v4.1: 25 of 1,614,196 alleles (0.0015%); highest among the groups gnomAD compares: East Asian, 0.053%; 1 homozygote.

Submissions (2):

Labcorp Genetics (formerly Invitae), Labcorp
Classification: Uncertain significance. Last evaluated: 2022-11-04. Review status: criteria provided, single submitter. Criteria: Invitae Variant Classification Sherloc (09022015). Collection method: clinical testing. Allele origin: germline.
Comment: This sequence change replaces methionine, which is neutral and non-polar, with valine, which is neutral and non-polar, at codon 342 of the FZD4 protein (p.Met342Val). This variant is not present in population databases (gnomAD no frequency). This missense change has been observed in individual(s) with familial exudative vitreoretinopathy (PMID: 15488808, 15981244). ClinVar contains an entry for this variant (Variation ID: 5487). Advanced modeling of protein sequence and biophysical properties (such as structural, functional, and spatial information, amino acid conservation, physicochemical variation, residue mobility, and thermodynamic stability) performed at Invitae indicates that this missense variant is not expected to disrupt FZD4 protein function. In summary, the available evidence is currently insufficient to determine the role of this variant in disease. Therefore, it has been classified as a Variant of Uncertain Significance.

OMIM
Classification: Pathogenic for EXUDATIVE VITREORETINOPATHY 1. Last evaluated: 2004-10-01. Review status: no assertion criteria provided. Collection method: literature only. Allele origin: germline. Not counted in ClinVar's aggregate classification.

Literature cited by the submitters: PubMed 15488808 (cited by Labcorp Genetics (formerly Invitae), Labcorp and OMIM); PubMed 15981244 (cited by Labcorp Genetics (formerly Invitae), Labcorp).

NM_012193.4(FZD4):c.1024A>G (p.Met342Val)

Genes: PRSS23 (serine protease 23; plus strand), FZD4 (frizzled class receptor 4; minus strand). Cytogenetic location: 11q14.2.
Variant type: single nucleotide variant.
Coding change: c.1024A>G on transcript NM_012193.4 (MANE Select); coding-DNA position 1024, A replaced by G.
Protein change: p.Met342Val; replaces methionine 342 with valine.
Molecular consequence: missense variant. On other transcripts: non-coding transcript variant (2).
Genome position (GRCh38, 1-based): chr11:86,951,732, T>C on the plus strand (A>G on the coding strand, the complement: FZD4 is on the minus strand). VCF-style: chr11-86951732-T-C. GRCh37 (hg19) VCF-style: chr11-86662774-T-C.
Other names: short protein forms M342V.
Identifiers: ClinVar variation 5487 (VCV000005487.4), dbSNP rs80358293, ClinGen allele CA253502.